The following is an entry in ClinVar:

ClinVar aggregate classification (germline): Uncertain significance (1 of 4 stars; one submission).

Conditions:
Hereditary cancer-predisposing syndrome. Also called: Hereditary neoplastic syndrome; Tumor predisposition; Neoplastic Syndromes, Hereditary; Hereditary Cancer Syndrome. Identifiers: Orphanet 140162, MedGen C0027672, MeSH D009386, MONDO:0015356.

Submission:

Sema4
Classification: Uncertain significance for Hereditary cancer-predisposing syndrome. Last evaluated: 2021-12-17. Review status: criteria provided, single submitter. Criteria: Sema4 Curation Guidelines. Collection method: curation. Allele origin: germline.
Comment: The MRE11 c.1960G>C (p.D654H) variant has not been reported in the literature to our knowledge. This variant is not reported in the population database Genome Aggregation Database (PMID: 32461654). This variant has not been reported in ClinVar. Functional studies have not been performed, and in silico predictions of the variant's effect on protein function are inconclusive. The evidence is insufficient to meet ACMG/AMP criteria for classifying the variant as benign or pathogenic. Thus, the clinical significance of this variant is currently uncertain.

NM_005591.4(MRE11):c.1960G>C (p.Asp654His)

Gene: MRE11 (MRE11 double strand break repair nuclease; minus strand). Cytogenetic location: 11q21.
Variant type: single nucleotide variant.
Coding change: c.1960G>C on transcript NM_005591.4 (MANE Select); coding-DNA position 1960, G replaced by C.
Protein change: p.Asp654His; replaces aspartic acid 654 with histidine.
Molecular consequence: missense variant.
Genome position (GRCh38, 1-based): chr11:94,435,866, C>G on the plus strand (G>C on the coding strand, the complement: MRE11 is on the minus strand). VCF-style: chr11-94435866-C-G. GRCh37 (hg19) VCF-style: chr11-94169032-C-G.
Other names: c.1957G>C, p.Asp653His (NM_001330347.2); c.1876G>C, p.Asp626His (NM_005590.4); short protein forms D626H, D653H, D654H.
Identifiers: ClinVar variation 1692902 (VCV001692902.1), dbSNP rs1264567817, ClinGen allele CA382374089.
Genomic context (GRCh38, chr11:94,435,866, plus strand): 5'-CTTTTGCAGAAAATCACTGCACCTACCTTTGATCTGTCTTTGAAGTGGTAGGAAAAATGT[C>G]TTCTTCCACATCTGATTCATCTACCTCAATCACCTGGCAAGGAAACAAAGCAACAAACAG-3'
Protein context (NP_005582.1, residues 644-664): IEVDESDVEE[Asp654His]IFPTTSKTDQ